The following is an entry in ClinVar:

ClinVar aggregate classification (germline): Uncertain significance (1 of 4 stars; one submission).

Submission:

CeGaT Center for Human Genetics Tuebingen
Classification: Uncertain significance. Last evaluated: 2023-08-01. Review status: criteria provided, single submitter. Criteria: CeGaT Center For Human Genetics Tuebingen Variant Classification Criteria Version 2. Collection method: clinical testing. Allele origin: germline. Affected: yes. Observed: 1 variant allele.
Comment: CCNK: PM2

NM_001099402.2(CCNK):c.151C>T (p.Arg51Ter)

Gene: CCNK (cyclin K; plus strand). Cytogenetic location: 14q32.2.
Variant type: single nucleotide variant.
Coding change: c.151C>T on transcript NM_001099402.2 (MANE Select); coding-DNA position 151, C replaced by T.
Protein change: p.Arg51Ter; replaces arginine 51 with a stop codon.
Molecular consequence: nonsense.
Genome position (GRCh38, 1-based): chr14:99,492,828, C>T. VCF-style: chr14-99492828-C-T. GRCh37 (hg19) VCF-style: chr14-99959165-C-T.
Other names: short protein forms R51*.
Identifiers: ClinVar variation 2644507 (VCV002644507.24), dbSNP rs2504013213, ClinGen allele CA390941735.